The following is an entry in ClinVar:

ClinVar aggregate classification (germline): Uncertain significance. Review status: criteria provided, multiple submitters, no conflicts (2 of 4 stars). 2 submissions from 2 submitters: Uncertain significance (2). Last evaluated 2025-09-04.

Conditions:
Congenital factor V deficiency. Also called: Hereditary factor V deficiency disease; PARAHEMOPHILIA; LABILE FACTOR DEFICIENCY; OWREN PARAHEMOPHILIA. Identifiers: Orphanet 326, MedGen C0015499, MONDO:0009210, OMIM 227400.

Allele frequency attached by ClinVar (database versions not stated): gnomAD exomes below 0.00001 and 0.00001; ExAC 0.00001; gnomAD 0.00001; TOPMed 0.00001.
gnomAD v4.1: 8 of 1,613,846 alleles (0.0005%); highest among the groups gnomAD compares: Middle Eastern, 0.016%; no homozygotes.

Submissions (2):

Labcorp Genetics (formerly Invitae), Labcorp
Classification: Uncertain significance for Congenital factor V deficiency. Last evaluated: 2025-09-04. Review status: criteria provided, single submitter. Criteria: Invitae Variant Classification Sherloc (09022015). Collection method: clinical testing. Allele origin: germline.
Comment: This sequence change replaces glycine, which is neutral and non-polar, with arginine, which is basic and polar, at codon 304 of the F5 protein (p.Gly304Arg). This variant is present in population databases (rs747353298, gnomAD 0.0009%). This variant has not been reported in the literature in individuals affected with F5-related conditions. ClinVar contains an entry for this variant (Variation ID: 806279). Invitae Evidence Modeling of protein sequence and biophysical properties (such as structural, functional, and spatial information, amino acid conservation, physicochemical variation, residue mobility, and thermodynamic stability) indicates that this missense variant is expected to disrupt F5 protein function with a positive predictive value of 80%. This variant disrupts the p.Gly304 amino acid residue in F5. Other variant(s) that disrupt this residue have been determined to be pathogenic (PMID: 19486170, 37150682). This suggests that this residue is clinically significant, and that variants that disrupt this residue are likely to be disease-causing. In summary, the available evidence is currently insufficient to determine the role of this variant in disease. Therefore, it has been classified as a Variant of Uncertain Significance.

CeGaT Center for Human Genetics Tuebingen
Classification: Uncertain significance. Last evaluated: 2016-10-01. Review status: criteria provided, single submitter. Criteria: CeGaT Center For Human Genetics Tuebingen Variant Classification Criteria Version 2. Collection method: clinical testing. Allele origin: germline. Affected: yes. Observed: 1 variant allele.

Literature cited by the submitters: PubMed 19486170 (cited by Labcorp Genetics (formerly Invitae), Labcorp); PubMed 37150682 (cited by Labcorp Genetics (formerly Invitae), Labcorp).

NM_000130.5(F5):c.910G>A (p.Gly304Arg)

Gene: F5 (coagulation factor V; minus strand). Cytogenetic location: 1q24.2.
Variant type: single nucleotide variant.
Coding change: c.910G>A on transcript NM_000130.5 (MANE Select); coding-DNA position 910, G replaced by A.
Protein change: p.Gly304Arg; replaces glycine 304 with arginine.
Molecular consequence: missense variant.
Genome position (GRCh38, 1-based): chr1:169,556,688, C>T on the plus strand (G>A on the coding strand, the complement: F5 is on the minus strand). VCF-style: chr1-169556688-C-T. GRCh37 (hg19) VCF-style: chr1-169525926-C-T.
Other names: short protein forms G304R.
Identifiers: ClinVar variation 806279 (VCV000806279.44), dbSNP rs747353298, ClinGen allele CA1234487.